The following is an entry in ClinVar:

ClinVar aggregate classification (germline): Likely benign. Review status: criteria provided, multiple submitters, no conflicts (2 of 4 stars). 6 submissions from 6 submitters: Likely benign (6). Last evaluated 2026-10-01.

Conditions:
CACNA1A-related disorder. Also called: CACNA1A-related condition.
Developmental and epileptic encephalopathy, 42 (DEE42A). Also called: Epileptic encephalopathy, early infantile, 42; DEVELOPMENTAL AND EPILEPTIC ENCEPHALOPATHY 42A; EPILEPTIC ENCEPHALOPATHY, EARLY INFANTILE, 42A. Identifiers: MedGen C4310716, MONDO:0014917, OMIM 617106.
Episodic ataxia type 2 (EA2). Also called: ACETAZOLAMIDE-RESPONSIVE HEREDITARY PAROXYSMAL CEREBELLAR ATAXIA; ATAXIA, EPISODIC, WITH NYSTAGMUS; ATAXIA, FAMILIAL PAROXYSMAL; CEREBELLAR ATAXIA, PAROXYSMAL, ACETAZOLAMIDE-RESPONSIVE; CEREBELLOPATHY, HEREDITARY PAROXYSMAL; EPISODIC ATAXIA, NYSTAGMUS-ASSOCIATED. Identifiers: Orphanet 97, MedGen C1720416, MONDO:0007163, OMIM 108500.
Inborn genetic diseases. Identifiers: MedGen C0950123, MeSH D030342.

Allele frequency attached by ClinVar (database versions not stated): gnomAD exomes 0.00004 and 0.00006; ExAC 0.00007; 1000 Genomes Project 30x 0.00016; 1000 Genomes Project 0.00020; ESP Exome Variant Server 0.00025; gnomAD 0.00028 and 0.00029; TOPMed 0.00037.
gnomAD v4.1: 104 of 1,613,772 alleles (0.0064%); highest among the groups gnomAD compares: African/African-American, 0.1%; no homozygotes.

Submissions (6):

CeGaT Center for Human Genetics Tuebingen
Classification: Likely benign. Last evaluated: 2026-10-01. Review status: criteria provided, single submitter. Criteria: CeGaT Center For Human Genetics Tuebingen Variant Classification Criteria Version 2. Collection method: clinical testing. Allele origin: germline. Affected: yes. Observed: 4 variant alleles.
Comment: CACNA1A: BP4, BP7, BS1

Labcorp Genetics (formerly Invitae), Labcorp
Classification: Likely benign for Developmental and epileptic encephalopathy, 42; Episodic ataxia type 2. Last evaluated: 2025-10-10. Review status: criteria provided, single submitter. Criteria: Invitae Variant Classification Sherloc (09022015). Collection method: clinical testing. Allele origin: germline.

PreventionGenetics, part of Exact Sciences
Classification: Likely benign for CACNA1A-related condition. Last evaluated: 2025-10-03. Review status: criteria provided, single submitter. Criteria: ACMG Guidelines, 2015. Collection method: clinical testing. Allele origin: germline.
Comment: This variant is classified as likely benign based on ACMG/AMP sequence variant interpretation guidelines (Richards et al. 2015 PMID: 25741868, with internal and published modifications).

Blueprint Genetics
Classification: Likely benign. Last evaluated: 2024-11-07. Review status: criteria provided, single submitter. Criteria: ACMG Guidelines, 2015. Collection method: clinical testing. Allele origin: germline.

GeneDx
Classification: Likely benign. Last evaluated: 2019-11-25. Review status: criteria provided, single submitter. Criteria: GeneDx Variant Classification Process June 2021. Collection method: clinical testing. Allele origin: germline. Affected: yes.

Ambry Genetics
Classification: Likely benign for Inborn genetic diseases. Last evaluated: 2017-09-20. Review status: criteria provided, single submitter. Criteria: Ambry Variant Classification Scheme 2023. Collection method: clinical testing. Allele origin: germline.

NM_001127222.2(CACNA1A):c.4806C>T (p.Ile1602=)

Gene: CACNA1A (calcium voltage-gated channel subunit alpha1 A; minus strand). Cytogenetic location: 19p13.13.
Variant type: single nucleotide variant.
Coding change: c.4806C>T on transcript NM_001127222.2 (MANE Select); coding-DNA position 4806, C replaced by T.
Protein change: p.Ile1602=; no amino-acid change (isoleucine 1602 retained).
Molecular consequence: synonymous variant.
Genome position (GRCh38, 1-based): chr19:13,253,051, G>A on the plus strand (C>T on the coding strand, the complement: CACNA1A is on the minus strand). VCF-style: chr19-13253051-G-A. GRCh37 (hg19) VCF-style: chr19-13363865-G-A.
Other names: c.4806C>T (NM_001127222.1); c.4818C>T, p.Ile1606= (NM_000068.4, NM_023035.3); c.4809C>T, p.Ile1603= (NM_001127221.2, NM_001174080.2).
Identifiers: ClinVar variation 383094 (VCV000383094.58), dbSNP rs372240227, ClinGen allele CA9239928.